The following is an entry in ClinVar:

ClinVar aggregate classification (germline): Uncertain significance (1 of 4 stars; one submission).

Submission:

Labcorp Genetics (formerly Invitae), Labcorp
Classification: Uncertain significance. Last evaluated: 2023-11-14. Review status: criteria provided, single submitter. Criteria: Invitae Variant Classification Sherloc (09022015). Collection method: clinical testing. Allele origin: germline.
Comment: This sequence change replaces histidine, which is basic and polar, with tyrosine, which is neutral and polar, at codon 1226 of the LRP5 protein (p.His1226Tyr). This variant is not present in population databases (gnomAD no frequency). This variant has not been reported in the literature in individuals affected with LRP5-related conditions. Advanced modeling of protein sequence and biophysical properties (such as structural, functional, and spatial information, amino acid conservation, physicochemical variation, residue mobility, and thermodynamic stability) has been performed at Invitae for this missense variant, however the output from this modeling did not meet the statistical confidence thresholds required to predict the impact of this variant on LRP5 protein function. In summary, the available evidence is currently insufficient to determine the role of this variant in disease. Therefore, it has been classified as a Variant of Uncertain Significance.

NM_002335.4(LRP5):c.3676C>T (p.His1226Tyr)

Gene: LRP5 (LDL receptor related protein 5; plus strand). Cytogenetic location: 11q13.2.
Variant type: single nucleotide variant.
Coding change: c.3676C>T on transcript NM_002335.4 (MANE Select); coding-DNA position 3676, C replaced by T.
Protein change: p.His1226Tyr; replaces histidine 1226 with tyrosine.
Molecular consequence: missense variant.
Genome position (GRCh38, 1-based): chr11:68,429,613, C>T. VCF-style: chr11-68429613-C-T. GRCh37 (hg19) VCF-style: chr11-68197081-C-T.
Other names: c.1933C>T, p.His645Tyr (NM_001291902.2); short protein forms H645Y, H1226Y.
Identifiers: ClinVar variation 2695657 (VCV002695657.3), dbSNP rs2496853058, ClinGen allele CA381613268.